The following is an entry in ClinVar:

NM_020686.6(ABAT):c.990C>T (p.Thr330=)

Gene: ABAT (4-aminobutyrate aminotransferase; plus strand). Cytogenetic location: 16p13.2.
Variant type: single nucleotide variant.
Coding change: c.990C>T on transcript NM_020686.6 (MANE Select); coding-DNA position 990, C replaced by T.
Protein change: p.Thr330=; no amino-acid change (threonine 330 retained).
Molecular consequence: synonymous variant.
Genome position (GRCh38, 1-based): chr16:8,774,925, C>T. VCF-style: chr16-8774925-C-T. GRCh37 (hg19) VCF-style: chr16-8868782-C-T.
Other names: c.990C>T, p.Thr330= (NM_000663.5, NM_001127448.2, NM_001386600.1 and 6 more transcripts); c.951C>T, p.Thr317= (NM_001386605.1); c.927C>T, p.Thr309= (NM_001386606.1, NM_001386607.1); c.897C>T, p.Thr299= (NM_001386608.1); c.855C>T, p.Thr285= (NM_001386610.1, NM_001386611.1); c.792C>T, p.Thr264= (NM_001386612.1, NM_001386613.1); c.744C>T, p.Thr248= (NM_001386614.1); c.1086C>T, p.Thr362= (NM_001386615.1).
Identifiers: ClinVar variation 1099806 (VCV001099806.23), dbSNP rs369874487, ClinGen allele CA7893394.
Genomic context (GRCh38, chr16:8,774,925, plus strand): 5'-TCCCTCCTCTCTCTTCTCCGGCCAGCATGGCTGCGCCTTCTTGGTGGACGAGGTCCAGAC[C>T]GGAGGAGGCTGCACGGGCAAGTTCTGGGCCCATGAGCACTGGGGCCTGGATGACCCAGCA-3'
Protein context (NP_065737.2, residues 320-340): GCAFLVDEVQ[Thr330=]GGGCTGKFWA

ClinVar aggregate classification (germline): Likely benign. Review status: criteria provided, multiple submitters, no conflicts (2 of 4 stars). 2 submissions from 2 submitters: Likely benign (2). Last evaluated 2025-06-08.

Conditions:
Gamma-aminobutyric acid transaminase deficiency (GABATD). Also called: GABA transaminase deficiency; Gamma aminobutyrate transaminase deficiency; 4 alpha aminobutyrate transaminase deficiency; GABA aminotransaminase deficiency. Identifiers: Orphanet 2066, MedGen C0342708, MONDO:0013166, OMIM 613163.

Allele frequency attached by ClinVar (database versions not stated): TOPMed 0.00002; ExAC 0.00003; gnomAD 0.00003; gnomAD exomes 0.00004; ESP Exome Variant Server 0.00008; 1000 Genomes Project 30x 0.00016; 1000 Genomes Project 0.00020.
gnomAD v4.1: 44 of 1,614,058 alleles (0.0027%); highest among the groups gnomAD compares: East Asian, 0.016%; no homozygotes.

Submissions (2):

Labcorp Genetics (formerly Invitae), Labcorp
Classification: Likely benign for Gamma-aminobutyric acid transaminase deficiency. Last evaluated: 2025-06-08. Review status: criteria provided, single submitter. Criteria: Invitae Variant Classification Sherloc (09022015). Collection method: clinical testing. Allele origin: germline.

CeGaT Center for Human Genetics Tuebingen
Classification: Likely benign. Last evaluated: 2024-09-01. Review status: criteria provided, single submitter. Criteria: CeGaT Center For Human Genetics Tuebingen Variant Classification Criteria Version 2. Collection method: clinical testing. Allele origin: germline. Affected: yes. Observed: 1 variant allele.
Comment: ABAT: BP4, BP7